The following is an entry in ClinVar:

NM_144498.4(OSBPL2):c.*9_*18del

Gene: OSBPL2 (oxysterol binding protein like 2; plus strand). Cytogenetic location: 20q13.33.
Variant type: Deletion.
Coding change: c.*9_*18del on transcript NM_144498.4 (MANE Select); 9 bases downstream of the stop codon through 18 bases downstream of the stop codon, 10 bases deleted (AGGGGCCTGG; older notation c.*9_*18delAGGGGCCTGG).
Molecular consequence: 3 prime UTR variant. On other transcripts: frameshift variant (1).
Genome position (GRCh38, 1-based): chr20:62,293,896-62,293,905, AGGGGCCTGG deleted; deleting any 10 consecutive bases within chr20:62,293,888-62,293,905 gives the same sequence; the c. name uses the placement nearest the transcript's 3' end. VCF-style (leftmost placement, unchanged base first): chr20-62293887-AGGGCCTGGAG-A. GRCh37 (hg19) VCF-style: chr20-60868943-AGGGCCTGGAG-A.
Other names: c.1052_1061del, p.Glu351fs (NM_001278649.3); c.*9_*18del (NM_001363878.2, NM_014835.5); short protein forms E351fs.
Identifiers: ClinVar variation 4989052 (VCV004989052.1).

ClinVar aggregate classification (germline): Uncertain significance (1 of 4 stars; one submission).

Conditions:
OSBPL2-related disorder. Also called: OSBPL2-related condition.

Submission:

PreventionGenetics, part of Exact Sciences
Classification: Uncertain significance for OSBPL2-related condition. Last evaluated: 2024-12-13. Review status: criteria provided, single submitter. Criteria: ACMG Guidelines, 2015. Collection method: clinical testing. Allele origin: germline.
Comment: The OSBPL2 c.1052_1061del10 variant is predicted to result in a frameshift and premature protein termination (p.Glu351Glyfs*7). To our knowledge, this variant has not been reported in the literature. This variant is reported in 0.030% of alleles in individuals of East Asian descent in gnomAD. Although we suspect that this variant may be benign, at this time, the clinical significance of this variant is uncertain due to the absence of conclusive functional and genetic evidence.